The following is an entry in ClinVar:

ClinVar aggregate classification (germline): Uncertain significance (1 of 4 stars; one submission).

Conditions:
Dyskeratosis congenita, autosomal recessive 5 (DKCB5). Identifiers: MedGen C3554656, MONDO:0014076, OMIM 615190.
Pulmonary fibrosis and/or bone marrow failure, Telomere-related, 3. Also called: PULMONARY FIBROSIS AND/OR BONE MARROW FAILURE SYNDROME, TELOMERE-RELATED, 3. Identifiers: Orphanet 2032, MedGen C4225346, MONDO:0014613, OMIM 616373.

Submission:

Labcorp Genetics (formerly Invitae), Labcorp
Classification: Uncertain significance for Dyskeratosis congenita, autosomal recessive 5; Pulmonary fibrosis and/or bone marrow failure, Telomere-related, 3. Last evaluated: 2023-11-25. Review status: criteria provided, single submitter. Criteria: Invitae Variant Classification Sherloc (09022015). Collection method: clinical testing. Allele origin: germline.
Comment: This sequence change falls in intron 8 of the RTEL1 gene. It does not directly change the encoded amino acid sequence of the RTEL1 protein. It affects a nucleotide within the consensus splice site. This variant is not present in population databases (gnomAD no frequency). This variant has not been reported in the literature in individuals affected with RTEL1-related conditions. Variants that disrupt the consensus splice site are a relatively common cause of aberrant splicing (PMID: 17576681, 9536098). Algorithms developed to predict the effect of sequence changes on RNA splicing suggest that this variant is not likely to affect RNA splicing. In summary, the available evidence is currently insufficient to determine the role of this variant in disease. Therefore, it has been classified as a Variant of Uncertain Significance.

Literature cited by the submitters: PubMed 17576681; PubMed 9536098.

NM_001283009.2(RTEL1):c.699+6G>T

Genes: RTEL1 (regulator of telomere elongation helicase 1; plus strand), RTEL1-TNFRSF6B (RTEL1-TNFRSF6B readthrough (NMD candidate); plus strand). Cytogenetic location: 20q13.33.
Variant type: single nucleotide variant.
Coding change: c.699+6G>T on transcript NM_001283009.2 (MANE Select); 6 bases into the intron after coding-DNA position 699, G replaced by T.
Molecular consequence: intron variant.
Genome position (GRCh38, 1-based): chr20:63,667,559, G>T. VCF-style: chr20-63667559-G-T. GRCh37 (hg19) VCF-style: chr20-62298912-G-T.
Other names: c.30+6G>T (NM_001283010.1); c.771+6G>T (NM_032957.5); c.699+6G>T (NM_016434.4).
Identifiers: ClinVar variation 2935757 (VCV002935757.3), dbSNP rs2517017215, ClinGen allele CA2577456032.